The following is an entry in ClinVar:

ClinVar aggregate classification (germline): Conflicting classifications of pathogenicity. Review status: criteria provided, conflicting classifications (1 of 4 stars). 5 submissions from 5 submitters: Uncertain significance (1); Likely benign (3). 1 of the submissions does not count toward it. Last evaluated 2026-01-17.

Conditions:
RNF213-related disorder. Also called: RNF213-related condition.
Moyamoya disease 2 (MYMY2). Also called: MOYAMOYA DISEASE 2, SUSCEPTIBILITY TO. Identifiers: Orphanet 2573, MedGen C1846689, MONDO:0011784, OMIM 607151.

Allele frequency attached by ClinVar (database versions not stated): 1000 Genomes Project 30x 0.00062; 1000 Genomes Project 0.00080; ExAC 0.00101; TOPMed 0.00106; gnomAD exomes 0.00133; gnomAD 0.00158 and 0.00160.
gnomAD v4.1: 3,930 of 1,536,874 alleles (0.26%); highest among the groups gnomAD compares: Non-Finnish European, 0.32%; 14 homozygotes.

Submissions (5):

Labcorp Genetics (formerly Invitae), Labcorp
Classification: Likely benign. Last evaluated: 2026-01-17. Review status: criteria provided, single submitter. Criteria: Invitae Variant Classification Sherloc (09022015). Collection method: clinical testing. Allele origin: germline.

PreventionGenetics, part of Exact Sciences
Classification: Uncertain significance for RNF213-related condition. Last evaluated: 2026-01-13. Review status: criteria provided, single submitter. Criteria: ACMG Guidelines, 2015. Collection method: clinical testing. Allele origin: germline.
Comment: The RNF213 c.5530G>A variant is predicted to result in the amino acid substitution p.Ala1844Thr. To our knowledge, this variant has not been reported in the literature. This variant is reported in 0.29% of alleles in individuals of European (Non-Finnish) descent in gnomAD. At this time, the clinical significance of this variant is uncertain due to the absence of conclusive functional and genetic evidence.

CeGaT Center for Human Genetics Tuebingen
Classification: Likely benign. Last evaluated: 2025-07-01. Review status: criteria provided, single submitter. Criteria: CeGaT Center For Human Genetics Tuebingen Variant Classification Criteria Version 2. Collection method: clinical testing. Allele origin: germline. Affected: yes. Observed: 1 variant allele.
Comment: RNF213: BP4, BS2

Blueprint Genetics
Classification: Likely benign. Last evaluated: 2024-11-20. Review status: criteria provided, single submitter. Criteria: ACMG Guidelines, 2015. Collection method: clinical testing. Allele origin: germline.

UMR-S1161, Institut national de la santé et de la recherche médicale
Classification: Uncertain significance for Moyamoya disease 2. Last evaluated: 2017-03-03. Review status: no assertion criteria provided. Collection method: research. Allele origin: unknown. Affected: yes. Study: Rare RNF213 variants in Caucasian moyamoya patients. Not counted in ClinVar's aggregate classification.

NM_001256071.3(RNF213):c.5530G>A (p.Ala1844Thr)

Gene: RNF213 (ring finger protein 213; plus strand). Cytogenetic location: 17q25.3.
Variant type: single nucleotide variant.
Coding change: c.5530G>A on transcript NM_001256071.3 (MANE Select); coding-DNA position 5530, G replaced by A.
Protein change: p.Ala1844Thr; replaces alanine 1844 with threonine.
Molecular consequence: missense variant.
Genome position (GRCh38, 1-based): chr17:80,339,897, G>A. VCF-style: chr17-80339897-G-A. GRCh37 (hg19) VCF-style: chr17-78313697-G-A.
Other names: short protein forms A1844T.
Identifiers: ClinVar variation 417842 (VCV000417842.20), dbSNP rs545060242, ClinGen allele CA8820341.
Genomic context (GRCh38, chr17:80,339,897, plus strand): 5'-GGTCTGCAGGTCGGCCAGCCCAACCTCGTCGTCTGTGGCCACTCCGAGGTGTTGCCAGCC[G>A]CCCTGGCTGTCTACATGCAAACCCCAAGCCAGCCCCTGCCCACTTACGATGAGGTGCTGC-3'
Protein context (NP_001243000.2, residues 1834-1854): VCGHSEVLPA[Ala1844Thr]LAVYMQTPSQ